The following is an entry in ClinVar:

NM_012414.4(RAB3GAP2):c.2008C>G (p.Leu670Val)

Gene: RAB3GAP2 (RAB3 GTPase activating non-catalytic protein subunit 2; minus strand). Cytogenetic location: 1q41.
Variant type: single nucleotide variant.
Coding change: c.2008C>G on transcript NM_012414.4 (MANE Select); coding-DNA position 2008, C replaced by G.
Protein change: p.Leu670Val; replaces leucine 670 with valine.
Molecular consequence: missense variant.
Genome position (GRCh38, 1-based): chr1:220,182,922, G>C on the plus strand (C>G on the coding strand, the complement: RAB3GAP2 is on the minus strand). VCF-style: chr1-220182922-G-C. GRCh37 (hg19) VCF-style: chr1-220356264-G-C.
Other names: short protein forms L670V.
Identifiers: ClinVar variation 211984 (VCV000211984.25), dbSNP rs201613456, ClinGen allele CA206883.

ClinVar aggregate classification (germline): Conflicting classifications of pathogenicity. Review status: criteria provided, conflicting classifications (1 of 4 stars). 6 submissions from 5 submitters: Uncertain significance (1); Benign (4); Likely benign (1). Last evaluated 2025-11-01.

Conditions:
Warburg micro syndrome 2 (WARBM2). Also called: MICRO SYNDROME 2. Identifiers: Orphanet 2510, MedGen C3280214, MONDO:0013641, OMIM 614225.
Martsolf syndrome (MARTS). Also called: Congenital cataract with intellectual disability and hypogonadotropic hypogonadism syndrome. Identifiers: Orphanet 1387, MedGen C0796037, MONDO:0023910.

Allele frequency attached by ClinVar (database versions not stated): gnomAD 0.00002 and 0.00050; TOPMed 0.00010; gnomAD exomes 0.00074 and 0.00154; ExAC 0.00174; 1000 Genomes Project 0.00499; 1000 Genomes Project 30x 0.00500.
gnomAD v4.1: 1,163 of 1,611,126 alleles (0.072%); highest among the groups gnomAD compares: South Asian, 1.2%; 16 homozygotes.

Submissions (6):

CeGaT Center for Human Genetics Tuebingen
Classification: Benign. Last evaluated: 2025-11-01. Review status: criteria provided, single submitter. Criteria: CeGaT Center For Human Genetics Tuebingen Variant Classification Criteria Version 2. Collection method: clinical testing. Allele origin: germline. Affected: yes. Observed: 1 variant allele.
Comment: RAB3GAP2: BP4, BS1, BS2

Labcorp Genetics (formerly Invitae), Labcorp
Classification: Benign for Martsolf syndrome; Warburg micro syndrome 2. Last evaluated: 2025-10-31. Review status: criteria provided, single submitter. Criteria: Invitae Variant Classification Sherloc (09022015). Collection method: clinical testing. Allele origin: germline.

GeneDx
Classification: Likely benign. Last evaluated: 2019-11-22. Review status: criteria provided, single submitter. Criteria: GeneDx Variant Classification Process June 2021. Collection method: clinical testing. Allele origin: germline. Affected: yes.

Illumina Laboratory Services, Illumina
Classification: Benign for Martsolf syndrome 1. Last evaluated: 2018-01-13. Review status: criteria provided, single submitter. Criteria: ICSL Variant Classification Criteria 13 December 2019. Collection method: clinical testing. Allele origin: germline.
Comment: This variant was observed in the ICSL laboratory as part of a predisposition screen in an ostensibly healthy population. It had not been previously curated by ICSL or reported in the Human Gene Mutation Database (HGMD: prior to June 1st, 2018), and was therefore a candidate for classification through an automated scoring system. Utilizing variant allele frequency, disease prevalence and penetrance estimates, and inheritance mode, an automated score was calculated to assess if this variant is too frequent to cause the disease. Based on the score and internal cut-off values, a variant classified as benign is not then subjected to further curation. The score for this variant resulted in a classification of benign for this disease.

Illumina Laboratory Services, Illumina
Classification: Benign for Warburg micro syndrome 2. Last evaluated: 2018-01-13. Review status: criteria provided, single submitter. Criteria: ICSL Variant Classification Criteria 13 December 2019. Collection method: clinical testing. Allele origin: germline.
Comment: the same text as in the submission from Illumina Laboratory Services, Illumina above.

Genetic Services Laboratory, University of Chicago
Classification: Uncertain significance. Last evaluated: 2014-12-05. Review status: criteria provided, single submitter. Criteria: ACMG Guidelines, 2015. Collection method: clinical testing. Allele origin: germline.